The following is an entry in ClinVar:

ClinVar aggregate classification (germline): Uncertain significance. Review status: criteria provided, multiple submitters, no conflicts (2 of 4 stars). 3 submissions from 3 submitters: Uncertain significance (3). Last evaluated 2026-08-12.

Conditions:
Cardiac arrhythmia, ankyrin-B-related. Also called: ANKYRIN-B SYNDROME. Identifiers: Orphanet 101016, Orphanet 768, MedGen C1970119, MONDO:0010958, OMIM 600919.
Cardiovascular phenotype. Identifiers: MedGen CN230736.

gnomAD v4.1: 1 of 1,613,980 alleles (0.000062%); no homozygotes.

Submissions (3):

GeneDx
Classification: Uncertain significance. Last evaluated: 2026-08-12. Review status: criteria provided, single submitter. Criteria: GeneDx Variant Classification Process June 2021. Collection method: clinical testing. Allele origin: germline.
Comment: Not observed at significant frequency in large population cohorts (gnomAD); In silico analysis suggests that this missense variant does not alter protein structure/function; Has not been previously published as pathogenic or benign to our knowledge

Ambry Genetics
Classification: Uncertain significance for Cardiovascular phenotype. Last evaluated: 2023-05-14. Review status: criteria provided, single submitter. Criteria: Ambry Variant Classification Scheme 2023. Collection method: clinical testing. Allele origin: germline.
Comment: The p.L2527F variant (also known as c.7579C>T), located in coding exon 38 of the ANK2 gene, results from a C to T substitution at nucleotide position 7579. The leucine at codon 2527 is replaced by phenylalanine, an amino acid with highly similar properties. This amino acid position is conserved. In addition, this alteration is predicted to be tolerated by in silico analysis. Since supporting evidence is limited at this time, the clinical significance of this alteration remains unclear.

Illumina Laboratory Services, Illumina
Classification: Uncertain significance for Cardiac arrhythmia, ankyrin-B-related. Last evaluated: 2018-01-12. Review status: criteria provided, single submitter. Criteria: ICSL Variant Classification Criteria 13 December 2019. Collection method: clinical testing. Allele origin: germline.

NM_001148.6(ANK2):c.7579C>T (p.Leu2527Phe)

Genes: ANK2 (ankyrin 2; plus strand), LOC126807137 (CDK7 strongly-dependent group 2 enhancer GRCh37_chr4:114276560-114277759; plus strand). Cytogenetic location: 4q26.
Variant type: single nucleotide variant.
Coding change: c.7579C>T on transcript NM_001148.6 (MANE Select); coding-DNA position 7579, C replaced by T.
Protein change: p.Leu2527Phe; replaces leucine 2527 with phenylalanine.
Molecular consequence: missense variant. On other transcripts: intron variant (68).
Genome position (GRCh38, 1-based): chr4:113,356,197, C>T. VCF-style: chr4-113356197-C-T. GRCh37 (hg19) VCF-style: chr4-114277353-C-T.
Other names: c.7345C>T, p.Leu2449Phe (NM_001386142.1); c.3979C>T, p.Leu1327Phe (NM_001386166.1); c.7720C>T, p.Leu2574Phe (NM_001386174.1); c.7696C>T, p.Leu2566Phe (NM_001386175.1); c.4412-4626C>T (NM_001386186.2, NM_001386148.2); c.4214-4626C>T (NM_001354269.3); c.4292-4626C>T (NM_001386187.2); c.4253-4626C>T (NM_001386147.1); and 35 more; short protein forms L2527F, L1327F, L2449F, L2566F, L2574F.
Identifiers: ClinVar variation 347332 (VCV000347332.9), dbSNP rs886059015, ClinGen allele CA10619944.
Genomic context (GRCh38, chr4:113,356,197, plus strand): 5'-TCCCGGCTACTCCGAGACCCTGATGGCAGTGCTGAGGATGACAGTCTTGAGCAGACATCG[C>T]TCATGGAGAGCTCAGGGAAGAGCCCCCTTTCTCCTGACACCCCCAGCTCTGAAGAAGTCA-3'
Protein context (NP_001139.3, residues 2517-2537): AEDDSLEQTS[Leu2527Phe]MESSGKSPLS